The following is an entry in ClinVar:

NM_001365536.1(SCN9A):c.5923G>C (p.Glu1975Gln)

Genes: SCN1A-AS1 (SCN1A and SCN9A antisense RNA 1; plus strand), SCN9A (sodium voltage-gated channel alpha subunit 9; minus strand). Cytogenetic location: 2q24.3.
Variant type: single nucleotide variant.
Coding change: c.5923G>C on transcript NM_001365536.1 (MANE Select); coding-DNA position 5923, G replaced by C.
Protein change: p.Glu1975Gln; replaces glutamic acid 1975 with glutamine.
Molecular consequence: missense variant.
Genome position (GRCh38, 1-based): chr2:166,198,716, C>G on the plus strand (G>C on the coding strand, the complement: SCN9A is on the minus strand). VCF-style: chr2-166198716-C-G. GRCh37 (hg19) VCF-style: chr2-167055226-C-G.
Other names: c.5890G>C, p.Glu1964Gln (NM_002977.4); short protein forms E1964Q, E1975Q.
Identifiers: ClinVar variation 949375 (VCV000949375.10), dbSNP rs1693322530, ClinGen allele CA349051048.

ClinVar aggregate classification (germline): Uncertain significance (1 of 4 stars; one submission).

Conditions:
Generalized epilepsy with febrile seizures plus, type 7 (GEFSP7). Also called: GEFS+, TYPE 7. Identifiers: Orphanet 36387, MedGen C2751778, MONDO:0013470, OMIM 613863.
Neuropathy, hereditary sensory and autonomic, type 2A (HSAN2A). Also called: HSAN IIA; MORVAN DISEASE; NEUROPATHY, CONGENITAL SENSORY; NEUROPATHY, HEREDITARY SENSORY RADICULAR, AUTOSOMAL RECESSIVE; NEUROPATHY, HEREDITARY SENSORY, TYPE IIA; NEUROPATHY, PROGRESSIVE SENSORY, OF CHILDREN. Identifiers: Orphanet 970, MedGen C2752089, MONDO:0024309, OMIM 201300.

Submission:

Labcorp Genetics (formerly Invitae), Labcorp
Classification: Uncertain significance for Neuropathy, hereditary sensory and autonomic, type 2A; Generalized epilepsy with febrile seizures plus, type 7. Last evaluated: 2019-05-08. Review status: criteria provided, single submitter. Criteria: Invitae Variant Classification Sherloc (09022015). Collection method: clinical testing. Allele origin: germline.
Comment: In summary, the available evidence is currently insufficient to determine the role of this variant in disease. Therefore, it has been classified as a Variant of Uncertain Significance. Algorithms developed to predict the effect of missense changes on protein structure and function are either unavailable or do not agree on the potential impact of this missense change (SIFT: "Tolerated"; PolyPhen-2: "Not Available"; Align-GVGD: "Class C0"). This variant has not been reported in the literature in individuals with SCN9A-related conditions. This variant is not present in population databases (ExAC no frequency). This sequence change replaces glutamic acid with glutamine at codon 1964 of the SCN9A protein (p.Glu1964Gln). The glutamic acid residue is highly conserved and there is a small physicochemical difference between glutamic acid and glutamine.